The following is an entry in ClinVar:

NM_000142.5(FGFR3):c.2249G>A (p.Arg750His)

Gene: FGFR3 (fibroblast growth factor receptor 3; plus strand). Cytogenetic location: 4p16.3.
Variant type: single nucleotide variant.
Coding change: c.2249G>A on transcript NM_000142.5 (MANE Select); coding-DNA position 2249, G replaced by A.
Protein change: p.Arg750His; replaces arginine 750 with histidine.
Molecular consequence: missense variant. On other transcripts: synonymous variant (1), non-coding transcript variant (1).
Genome position (GRCh38, 1-based): chr4:1,806,909, G>A. VCF-style: chr4-1806909-G-A. GRCh37 (hg19) VCF-style: chr4-1808636-G-A.
Other names: c.2255G>A, p.Arg752His (NM_001163213.2); c.2252G>A, p.Arg751His (NM_001354809.2); c.2181G>A, p.Pro727= (NM_001354810.2); c.1913G>A, p.Arg638His (NM_022965.4); short protein forms R638H, R750H, R751H, R752H.
Identifiers: ClinVar variation 1254578 (VCV001254578.5), dbSNP rs762888506, ClinGen allele CA2810785.

ClinVar aggregate classification (germline): Uncertain significance. Review status: criteria provided, multiple submitters, no conflicts (2 of 4 stars). 2 submissions from 2 submitters: Uncertain significance (2). Last evaluated 2025-03-17.

Allele frequency attached by ClinVar (database versions not stated): TOPMed below 0.00001; ExAC 0.00005; gnomAD exomes 0.00002.
gnomAD v4.1: 32 of 1,610,504 alleles (0.002%); highest among the groups gnomAD compares: Non-Finnish European, 0.0025%; no homozygotes.

Submissions (2):

Labcorp Genetics (formerly Invitae), Labcorp
Classification: Uncertain significance. Last evaluated: 2025-03-17. Review status: criteria provided, single submitter. Criteria: Invitae Variant Classification Sherloc (09022015). Collection method: clinical testing. Allele origin: germline.
Comment: This sequence change replaces arginine, which is basic and polar, with histidine, which is basic and polar, at codon 750 of the FGFR3 protein (p.Arg750His). The frequency data for this variant in the population databases is considered unreliable, as metrics indicate poor data quality at this position in the gnomAD database. This variant has not been reported in the literature in individuals affected with FGFR3-related conditions. ClinVar contains an entry for this variant (Variation ID: 1254578). Invitae Evidence Modeling of protein sequence and biophysical properties (such as structural, functional, and spatial information, amino acid conservation, physicochemical variation, residue mobility, and thermodynamic stability) has been performed for this missense variant. However, the output from this modeling did not meet the statistical confidence thresholds required to predict the impact of this variant on FGFR3 protein function. In summary, the available evidence is currently insufficient to determine the role of this variant in disease. Therefore, it has been classified as a Variant of Uncertain Significance.

GeneDx
Classification: Uncertain significance. Last evaluated: 2024-05-24. Review status: criteria provided, single submitter. Criteria: GeneDx Variant Classification Process June 2021. Collection method: clinical testing. Allele origin: germline. Affected: yes.
Comment: In silico analysis supports that this missense variant has a deleterious effect on protein structure/function; Has not been previously published as pathogenic or benign to our knowledge